The following is an entry in ClinVar:

NM_001367624.2(ZNF469):c.840del (p.His281fs)

Gene: ZNF469 (zinc finger protein 469; plus strand). Cytogenetic location: 16q24.2.
Variant type: Deletion.
Coding change: c.840del on transcript NM_001367624.2 (MANE Select); coding-DNA position 840, one base deleted (G; older notation c.840delG).
Protein change: p.His281fs; shifts the reading frame from histidine 281.
Molecular consequence: frameshift variant.
Genome position (GRCh38, 1-based): chr16:88,428,310, G deleted. VCF-style (leftmost placement, unchanged base first): chr16-88428309-TG-T. GRCh37 (hg19) VCF-style: chr16-88494717-TG-T.
Other names: short protein forms H281fs.
Identifiers: ClinVar variation 2788479 (VCV002788479.3), dbSNP rs2507572753, ClinGen allele CA2739265533.

ClinVar aggregate classification (germline): Pathogenic (1 of 4 stars; one submission).

Submission:

Labcorp Genetics (formerly Invitae), Labcorp
Classification: Pathogenic. Last evaluated: 2023-08-16. Review status: criteria provided, single submitter. Criteria: Invitae Variant Classification Sherloc (09022015). Collection method: clinical testing. Allele origin: germline.
Comment: This variant has not been reported in the literature in individuals affected with ZNF469-related conditions. For these reasons, this variant has been classified as Pathogenic. This variant is not present in population databases (gnomAD no frequency). This sequence change creates a premature translational stop signal (p.His281Metfs*65) in the ZNF469 gene. It is expected to result in an absent or disrupted protein product. Loss-of-function variants in ZNF469 are known to be pathogenic (PMID: 23642083, 23680354).

Literature cited by the submitters: PubMed 23642083; PubMed 23680354.